The following is an entry in ClinVar:

NM_001032283.3(TMPO):c.565+2247C>G

Gene: TMPO (thymopoietin; plus strand). Cytogenetic location: 12q23.1.
Variant type: single nucleotide variant.
Coding change: c.565+2247C>G on transcript NM_001032283.3 (MANE Select); 2247 bases into the intron after coding-DNA position 565, C replaced by G.
Molecular consequence: intron variant. On other transcripts: missense variant (1).
Genome position (GRCh38, 1-based): chr12:98,534,085, C>G. VCF-style: chr12-98534085-C-G. GRCh37 (hg19) VCF-style: chr12-98927863-C-G.
Other names: c.1828C>G, p.Arg610Gly (NM_003276.2); c.565+2247C>G (NM_001307975.2, NM_001032284.3); short protein forms R610G.
Identifiers: ClinVar variation 1302989 (VCV001302989.10), dbSNP rs369379490, ClinGen allele CA242225323.

ClinVar aggregate classification (germline): Uncertain significance. Review status: criteria provided, multiple submitters, no conflicts (2 of 4 stars). 2 submissions from 2 submitters: Uncertain significance (2). Last evaluated 2025-03-30.

Conditions:
Loeys-Dietz syndrome 2 (LDS2). Also called: Marfan syndrome, type 2 (formerly); TGFBR2-Related Loeys-Dietz Syndrome; AORTIC ANEURYSM, FAMILIAL THORACIC 3; MARFAN SYNDROME, TYPE II; Marfan Syndrome type 2; Marfan like connective tissue disorder. Identifiers: Orphanet 284973, Orphanet 558, MedGen C2674574, MONDO:0012427, OMIM 610168.

gnomAD v4.1: 4 of 1,612,118 alleles (0.00025%); highest among the groups gnomAD compares: African/African-American, 0.004%; no homozygotes.

Submissions (2):

Labcorp Genetics (formerly Invitae), Labcorp
Classification: Uncertain significance for Loeys-Dietz syndrome 2. Last evaluated: 2025-03-30. Review status: criteria provided, single submitter. Criteria: Invitae Variant Classification Sherloc (09022015). Collection method: clinical testing. Allele origin: germline.
Comment: This sequence change replaces arginine, which is basic and polar, with glycine, which is neutral and non-polar, at codon 610 of the TMPO protein (p.Arg610Gly). This variant is present in population databases (no rsID available, gnomAD 0.007%). This variant has not been reported in the literature in individuals affected with TMPO-related conditions. ClinVar contains an entry for this variant (Variation ID: 1302989). Invitae Evidence Modeling of protein sequence and biophysical properties (such as structural, functional, and spatial information, amino acid conservation, physicochemical variation, residue mobility, and thermodynamic stability) indicates that this missense variant is not expected to disrupt TMPO protein function with a negative predictive value of 80%. In summary, the available evidence is currently insufficient to determine the role of this variant in disease. Therefore, it has been classified as a Variant of Uncertain Significance.

GeneDx
Classification: Uncertain significance. Last evaluated: 2019-10-11. Review status: criteria provided, single submitter. Criteria: GeneDx Variant Classification Process June 2021. Collection method: clinical testing. Allele origin: germline. Affected: yes.
Comment: Not observed at a significant frequency in large population cohorts (Lek et al., 2016); In silico analysis, which includes protein predictors and evolutionary conservation, supports that this variant does not alter protein structure/function; Has not been previously published as pathogenic or benign to our knowledge